The following is an entry in ClinVar:

ClinVar aggregate classification (germline): Uncertain significance (1 of 4 stars; one submission).

Conditions:
Beckwith-Wiedemann syndrome (BWS). Also called: Exomphalos macroglossia gigantism syndrome; EMG SYNDROME. Identifiers: Orphanet 116, MedGen C0004903, MONDO:0007534, OMIM 130650.

Allele frequency attached by ClinVar (database versions not stated): gnomAD exomes below 0.00001.

Submission:

Labcorp Genetics (formerly Invitae), Labcorp
Classification: Uncertain significance for Beckwith-Wiedemann syndrome. Last evaluated: 2025-02-15. Review status: criteria provided, single submitter. Criteria: Invitae Variant Classification Sherloc (09022015). Collection method: clinical testing. Allele origin: germline.
Comment: This sequence change replaces glutamic acid, which is acidic and polar, with lysine, which is basic and polar, at codon 56 of the CDKN1C protein (p.Glu56Lys). This variant is not present in population databases (gnomAD no frequency). This variant has not been reported in the literature in individuals affected with CDKN1C-related conditions. ClinVar contains an entry for this variant (Variation ID: 1004304). Invitae Evidence Modeling of protein sequence and biophysical properties (such as structural, functional, and spatial information, amino acid conservation, physicochemical variation, residue mobility, and thermodynamic stability) has been performed for this missense variant. However, the output from this modeling did not meet the statistical confidence thresholds required to predict the impact of this variant on CDKN1C protein function. In summary, the available evidence is currently insufficient to determine the role of this variant in disease. Therefore, it has been classified as a Variant of Uncertain Significance.

NM_001122630.2(CDKN1C):c.133G>A (p.Glu45Lys)

Gene: CDKN1C (cyclin dependent kinase inhibitor 1C; minus strand). Cytogenetic location: 11p15.4.
Variant type: single nucleotide variant.
Coding change: c.133G>A on transcript NM_001122630.2 (MANE Select); coding-DNA position 133, G replaced by A.
Protein change: p.Glu45Lys; replaces glutamic acid 45 with lysine.
Molecular consequence: missense variant.
Genome position (GRCh38, 1-based): chr11:2,885,324, C>T on the plus strand (G>A on the coding strand, the complement: CDKN1C is on the minus strand). VCF-style: chr11-2885324-C-T. GRCh37 (hg19) VCF-style: chr11-2906554-C-T.
Other names: c.166G>A, p.Glu56Lys (NM_000076.2, NM_001362474.2); c.133G>A, p.Glu45Lys (NM_001122631.2, NM_001362475.2); short protein forms E45K, E56K.
Identifiers: ClinVar variation 1004304 (VCV001004304.8), dbSNP rs1848974871, ClinGen allele CA379147545.
Genomic context (GRCh38, chr11:2,885,324, plus strand): 5'-GTCCAGGGCCCCGCAGCGGCATGTCCTGCTGGAAGTCGTAATCCCAGCGGTTCTGGTCCT[C>T]GGCGTTCAGCTCGGCCAGGCGGGCCTGCAGCTCGCGGCTCAGCTCCTCGTGGTCCACCGG-3'
Protein context (NP_001116102.1, residues 35-55): LQARLAELNA[Glu45Lys]DQNRWDYDFQ